The following is an entry in ClinVar:

NM_024422.6(DSC2):c.1424T>A (p.Ile475Lys)

Gene: DSC2 (desmocollin 2; minus strand). Cytogenetic location: 18q12.1.
Variant type: single nucleotide variant.
Coding change: c.1424T>A on transcript NM_024422.6 (MANE Select); coding-DNA position 1424, T replaced by A.
Protein change: p.Ile475Lys; replaces isoleucine 475 with lysine.
Molecular consequence: missense variant.
Genome position (GRCh38, 1-based): chr18:31,080,192, A>T on the plus strand (T>A on the coding strand, the complement: DSC2 is on the minus strand). VCF-style: chr18-31080192-A-T. GRCh37 (hg19) VCF-style: chr18-28660158-A-T.
Other names: c.995T>A, p.Ile332Lys (NM_001406506.1, NM_001406507.1); c.1424T>A, p.Ile475Lys (NM_004949.5); short protein forms I332K, I475K.
Identifiers: ClinVar variation 3073967 (VCV003073967.1), dbSNP rs1022023137, ClinGen allele CA402108531.

ClinVar aggregate classification (germline): Uncertain significance (1 of 4 stars; one submission).

Conditions:
Familial isolated arrhythmogenic right ventricular dysplasia. Identifiers: Orphanet 217656, MedGen C4274968, MONDO:0016342.

Submission:

All of Us Research Program, National Institutes of Health
Classification: Uncertain significance for Familial isolated arrhythmogenic right ventricular dysplasia. Last evaluated: 2023-11-30. Review status: criteria provided, single submitter. Criteria: ACMG Guidelines, 2015. Collection method: clinical testing. Allele origin: germline. Inheritance: Autosomal dominant inheritance. Observed: 1 variant allele, 1 heterozygote.
Comment: This study involves interpretation of variants in research participants for the purpose of population health screening. Participant phenotype was not available at the time of variant classification. Additional details can be found in publication PMID: 35346344, PMCID: PMC8962531